The following is an entry in ClinVar:

ClinVar aggregate classification (germline): Likely benign (1 of 4 stars; one submission).

Allele frequency attached by ClinVar (database versions not stated): gnomAD exomes 0.00002; gnomAD 0.00003; TOPMed 0.00003; ExAC 0.00005; ESP Exome Variant Server 0.00008.

Submission:

CeGaT Center for Human Genetics Tuebingen
Classification: Likely benign. Last evaluated: 2023-05-01. Review status: criteria provided, single submitter. Criteria: CeGaT Center For Human Genetics Tuebingen Variant Classification Criteria Version 2. Collection method: clinical testing. Allele origin: germline. Affected: yes. Observed: 1 variant allele.
Comment: FRY: BP4, BP7

NM_023037.3(FRY):c.6996C>T (p.Phe2332=)

Gene: FRY (FRY microtubule binding protein; plus strand). Cytogenetic location: 13q13.1.
Variant type: single nucleotide variant.
Coding change: c.6996C>T on transcript NM_023037.3 (MANE Select); coding-DNA position 6996, C replaced by T.
Protein change: p.Phe2332=; no amino-acid change (phenylalanine 2332 retained).
Molecular consequence: synonymous variant.
Genome position (GRCh38, 1-based): chr13:32,247,490, C>T. VCF-style: chr13-32247490-C-T. GRCh37 (hg19) VCF-style: chr13-32821627-C-T.
Other names: c.6996C>T, p.Phe2332= (NM_001411012.1).
Identifiers: ClinVar variation 2643728 (VCV002643728.24), dbSNP rs199701884, ClinGen allele CA6939580.